The following is an entry in ClinVar:

NM_003982.4(SLC7A7):c.916G>C (p.Gly306Arg)

Gene: SLC7A7 (solute carrier family 7 member 7; minus strand). Cytogenetic location: 14q11.2.
Variant type: single nucleotide variant.
Coding change: c.916G>C on transcript NM_003982.4 (MANE Select); coding-DNA position 916, G replaced by C.
Protein change: p.Gly306Arg; replaces glycine 306 with arginine.
Molecular consequence: missense variant.
Genome position (GRCh38, 1-based): chr14:22,775,915, C>G on the plus strand (G>C on the coding strand, the complement: SLC7A7 is on the minus strand). VCF-style: chr14-22775915-C-G. GRCh37 (hg19) VCF-style: chr14-23245124-C-G.
Other names: c.916G>C, p.Gly306Arg (NM_001126105.3, NM_001126106.4); short protein forms G306R.
Identifiers: ClinVar variation 529502 (VCV000529502.10), dbSNP rs144264145, ClinGen allele CA7104540.
Genomic context (GRCh38, chr14:22,775,915, plus strand): 5'-CATTGAGGCCACCAAAACAGGATAATGCAACTGACAGTGGAATTATCCAGTTAAATATTC[C>G]AAATATCTGATCTGCAAAAGTCTAAGGGAAAAGAATGGAAGAGTCATTAGCAGGATCTAA-3'
Protein context (NP_003973.3, residues 296-316): VAVTFADQIF[Gly306Arg]IFNWIIPLSV

ClinVar aggregate classification (germline): Uncertain significance. Review status: criteria provided, multiple submitters, no conflicts (2 of 4 stars). 5 submissions from 5 submitters: Uncertain significance (4). 1 of the submissions does not count toward it. Last evaluated 2025-03-05.

Conditions:
Lysinuric protein intolerance (LPI). Identifiers: Orphanet 470, MedGen C0268647, MONDO:0009109, OMIM 222700.
SLC7A7-related disorder. Also called: SLC7A7-related condition.
Inborn genetic diseases. Identifiers: MedGen C0950123, MeSH D030342.

Allele frequency attached by ClinVar (database versions not stated): TOPMed 0.00009; gnomAD exomes 0.00011 and 0.00012; ExAC 0.00015; gnomAD 0.00015 and 0.00016; ESP Exome Variant Server 0.00023.
gnomAD v4.1: 182 of 1,613,670 alleles (0.011%); highest among the groups gnomAD compares: Non-Finnish European, 0.015%; no homozygotes.

Submissions (5):

Ambry Genetics
Classification: Uncertain significance for Inborn genetic diseases. Last evaluated: 2025-03-05. Review status: criteria provided, single submitter. Criteria: Ambry Variant Classification Scheme 2023. Collection method: clinical testing. Allele origin: germline.

PreventionGenetics, part of Exact Sciences
Classification: Uncertain significance for SLC7A7-related condition. Last evaluated: 2023-02-06. Review status: criteria provided, single submitter. Criteria: ACMG Guidelines, 2015. Collection method: clinical testing. Allele origin: germline.
Comment: The SLC7A7 c.916G>C variant is predicted to result in the amino acid substitution p.Gly306Arg. To our knowledge, this variant has not been reported in the literature. This variant is reported in 0.026% of alleles in individuals of European (Non-Finnish) descent in gnomAD. At this time, the clinical significance of this variant is uncertain due to the absence of conclusive functional and genetic evidence.

Labcorp Genetics (formerly Invitae), Labcorp
Classification: Uncertain significance for Lysinuric protein intolerance. Last evaluated: 2022-08-22. Review status: criteria provided, single submitter. Criteria: Invitae Variant Classification Sherloc (09022015). Collection method: clinical testing. Allele origin: germline.
Comment: This sequence change replaces glycine, which is neutral and non-polar, with arginine, which is basic and polar, at codon 306 of the SLC7A7 protein (p.Gly306Arg). This variant is present in population databases (rs144264145, gnomAD 0.03%). This variant has not been reported in the literature in individuals affected with SLC7A7-related conditions. ClinVar contains an entry for this variant (Variation ID: 529502). Algorithms developed to predict the effect of missense changes on protein structure and function (SIFT, PolyPhen-2, Align-GVGD) all suggest that this variant is likely to be disruptive. In summary, the available evidence is currently insufficient to determine the role of this variant in disease. Therefore, it has been classified as a Variant of Uncertain Significance.

Fulgent Genetics
Classification: Uncertain significance for Lysinuric protein intolerance. Last evaluated: 2022-01-17. Review status: criteria provided, single submitter. Criteria: ACMG Guidelines, 2015. Collection method: clinical testing. Allele origin: unknown.

Natera, Inc.
Classification: Uncertain significance for Lysinuric protein intolerance. Last evaluated: 2020-01-24. Review status: no assertion criteria provided. Collection method: clinical testing. Allele origin: germline. Not counted in ClinVar's aggregate classification.